The following is an entry in ClinVar:

ClinVar aggregate classification (germline): Pathogenic (1 of 4 stars; one submission).

Conditions:
Hereditary cancer-predisposing syndrome. Also called: Hereditary Cancer Syndrome; Tumor predisposition; Hereditary neoplastic syndrome; Neoplastic Syndromes, Hereditary. Identifiers: Orphanet 140162, MedGen C0027672, MeSH D009386, MONDO:0015356.

Submission:

Ambry Genetics
Classification: Pathogenic for Hereditary cancer-predisposing syndrome. Last evaluated: 2024-06-20. Review status: criteria provided, single submitter. Criteria: Ambry Variant Classification Scheme 2023. Collection method: clinical testing. Allele origin: germline.
Comment: The c.862_868delCCAAATG pathogenic mutation, located in coding exon 9 of the BRCA2 gene, results from a deletion of 7 nucleotides at nucleotide positions 862 to 868, causing a translational frameshift with a predicted alternate stop codon (p.P288Sfs*2). This variant, designated as 1090delCCAAATG, has been reported as a mutation in an individual with multiple primary breast cancers who has a family history of breast and ovarian cancers (Chan GHJ et al. Oncotarget, 2018 Jul;9:30649-30660). This variant is considered to be rare based on population cohorts in the Genome Aggregation Database (gnomAD). In addition to the clinical data presented in the literature, this alteration is expected to result in loss of function by premature protein truncation or nonsense-mediated mRNA decay. As such, this alteration is interpreted as a disease-causing mutation.

Literature cited by the submitters: PubMed 30093976.

NM_000059.4(BRCA2):c.862_868del (p.Pro288fs)

Gene: BRCA2 (BRCA2 DNA repair associated; plus strand). Cytogenetic location: 13q13.1.
Variant type: Deletion.
Coding change: c.862_868del on transcript NM_000059.4 (MANE Select); coding-DNA positions 862 to 868, 7 bases deleted (CCAAATG; older notation c.862_868delCCAAATG).
Protein change: p.Pro288fs; shifts the reading frame from proline 288.
Molecular consequence: frameshift variant. On other transcripts: non-coding transcript variant (1), intron variant (1).
Genome position (GRCh38, 1-based): chr13:32,332,340-32,332,346, CCAAATG deleted; deleting any 7 consecutive bases within chr13:32,332,336-32,332,346 gives the same sequence; the c. name uses the placement nearest the transcript's 3' end. VCF-style (leftmost placement, unchanged base first): chr13-32332335-CAATGCCA-C. GRCh37 (hg19) VCF-style: chr13-32906472-CAATGCCA-C.
Other names: c.862_868del, p.Pro288fs (NM_001406719.1, NM_001406720.1, NM_001406721.1); c.424+1310_424+1316del (NM_001406722.1); short protein forms P288fs.
Identifiers: ClinVar variation 3261657 (VCV003261657.1).
Genomic context (GRCh38, chr13:32,332,335, plus strand): 5'-TTGGAAAAACATCAGGGAATTCATTTAAAGTAAATAGCTGCAAAGACCACATTGGAAAGT[CAATGCCA>C]AATGTCCTAGAAGATGAAGTATATGAAACAGTTGTAGATACCTCTGAAGAAGATAGTTTT-3'